The following is an entry in ClinVar:

ClinVar aggregate classification (germline): Pathogenic (1 of 4 stars; one submission).

Submission:

Labcorp Genetics (formerly Invitae), Labcorp
Classification: Pathogenic. Last evaluated: 2025-02-18. Review status: criteria provided, single submitter. Criteria: Invitae Variant Classification Sherloc (09022015). Collection method: clinical testing. Allele origin: germline.
Comment: This sequence change creates a premature translational stop signal (p.Asn88Thrfs*3) in the RP2 gene. It is expected to result in an absent or disrupted protein product. Loss-of-function variants in RP2 are known to be pathogenic (PMID: 11992260, 20625056). This variant is not present in population databases (gnomAD no frequency). This variant has not been reported in the literature in individuals affected with RP2-related conditions. For these reasons, this variant has been classified as Pathogenic.

Literature cited by the submitters: PubMed 11992260; PubMed 20625056.

NM_006915.3(RP2):c.263del (p.Asn88fs)

Gene: RP2 (RP2 activator of ARL3 GTPase; plus strand). Cytogenetic location: Xp11.3.
Variant type: Deletion.
Coding change: c.263del on transcript NM_006915.3 (MANE Select); coding-DNA position 263, one base deleted (A; older notation c.263delA).
Protein change: p.Asn88fs; shifts the reading frame from asparagine 88.
Molecular consequence: frameshift variant.
Genome position (GRCh38, 1-based): chrX:46,853,636, A deleted; the last of 2 consecutive A bases (chrX:46,853,635-46,853,636); deleting either gives the same sequence. VCF-style (leftmost placement, unchanged base first): chrX-46853634-TA-T. GRCh37 (hg19) VCF-style: chrX-46713069-TA-T.
Other names: short protein forms N88fs.
Identifiers: ClinVar variation 3729329 (VCV003729329.2).
Genomic context (GRCh38, chrX:46,853,634, plus strand): 5'-TGAGAACTGTAACATCTATATTTTTGATCACTCTGCTACAGTTACCATTGATGACTGTAC[TA>T]ACTGCATAATTTTTCTGGGACCCGTGAAAGGCAGCGTGTTTTTCCGGAATTGCAGAGATT-3'